The following is an entry in ClinVar:

NM_018444.4(PDP1):c.247C>A (p.Pro83Thr)

Gene: PDP1 (pyruvate dehydrogenase phosphatase catalytic subunit 1; plus strand). Cytogenetic location: 8q22.1.
Variant type: single nucleotide variant.
Coding change: c.247C>A on transcript NM_018444.4 (MANE Select); coding-DNA position 247, C replaced by A.
Protein change: p.Pro83Thr; replaces proline 83 with threonine.
Molecular consequence: missense variant.
Genome position (GRCh38, 1-based): chr8:93,922,306, C>A. VCF-style: chr8-93922306-C-A. GRCh37 (hg19) VCF-style: chr8-94934534-C-A.
Other names: c.322C>A, p.Pro108Thr (NM_001161779.2, NM_001161780.2); c.247C>A, p.Pro83Thr (NM_001161781.2); short protein forms P108T, P83T.
Identifiers: ClinVar variation 1370920 (VCV001370920.6), dbSNP rs2130385121, ClinGen allele CA371691522.

ClinVar aggregate classification (germline): Uncertain significance (1 of 4 stars; one submission).

Submission:

Labcorp Genetics (formerly Invitae), Labcorp
Classification: Uncertain significance. Last evaluated: 2021-07-29. Review status: criteria provided, single submitter. Criteria: Invitae Variant Classification Sherloc (09022015). Collection method: clinical testing. Allele origin: germline.
Comment: This sequence change replaces proline with threonine at codon 83 of the PDP1 protein (p.Pro83Thr). The proline residue is moderately conserved and there is a small physicochemical difference between proline and threonine. In summary, the available evidence is currently insufficient to determine the role of this variant in disease. Therefore, it has been classified as a Variant of Uncertain Significance. Algorithms developed to predict the effect of missense changes on protein structure and function (SIFT, PolyPhen-2, Align-GVGD) all suggest that this variant is likely to be tolerated. This variant has not been reported in the literature in individuals affected with PDP1-related conditions. This variant is not present in population databases (ExAC no frequency).